The following is an entry in ClinVar:

ClinVar aggregate classification (germline): Uncertain significance (1 of 4 stars; one submission).

gnomAD v4.1: 3 of 1,614,090 alleles (0.00019%); highest among the groups gnomAD compares: Non-Finnish European, 0.00025%; no homozygotes.

Submission:

Labcorp Genetics (formerly Invitae), Labcorp
Classification: Uncertain significance. Last evaluated: 2025-11-09. Review status: criteria provided, single submitter. Criteria: Invitae Variant Classification Sherloc (09022015). Collection method: clinical testing. Allele origin: germline.
Comment: This sequence change replaces asparagine, which is neutral and polar, with lysine, which is basic and polar, at codon 1803 of the CACNA1D protein (p.Asn1803Lys). This variant is not present in population databases (gnomAD no frequency). This variant has not been reported in the literature in individuals affected with CACNA1D-related conditions. ClinVar contains an entry for this variant (Variation ID: 2979409). An algorithm developed to predict the effect of missense changes on protein structure and function (PolyPhen-2) suggests that this variant is likely to be tolerated. In summary, the available evidence is currently insufficient to determine the role of this variant in disease. Therefore, it has been classified as a Variant of Uncertain Significance.

NM_001128840.3(CACNA1D):c.5349T>A (p.Asn1783Lys)

Gene: CACNA1D (calcium voltage-gated channel subunit alpha1 D; plus strand). Cytogenetic location: 3p21.1.
Variant type: single nucleotide variant.
Coding change: c.5349T>A on transcript NM_001128840.3 (MANE Select); coding-DNA position 5349, T replaced by A.
Protein change: p.Asn1783Lys; replaces asparagine 1783 with lysine.
Molecular consequence: missense variant.
Genome position (GRCh38, 1-based): chr3:53,801,366, T>A. VCF-style: chr3-53801366-T-A. GRCh37 (hg19) VCF-style: chr3-53835393-T-A.
Other names: c.5409T>A, p.Asn1803Lys (NM_000720.4); c.5304T>A, p.Asn1768Lys (NM_001128839.3); short protein forms N1803K, N1768K, N1783K.
Identifiers: ClinVar variation 2979409 (VCV002979409.3), dbSNP rs1373089689, ClinGen allele CA353251619.